The following is an entry in ClinVar:

NM_000883.4(IMPDH1):c.379A>G (p.Ile127Val)

Gene: IMPDH1 (inosine monophosphate dehydrogenase 1; minus strand). Cytogenetic location: 7q32.1.
Variant type: single nucleotide variant.
Coding change: c.379A>G on transcript NM_000883.4 (MANE Select); coding-DNA position 379, A replaced by G.
Protein change: p.Ile127Val; replaces isoleucine 127 with valine.
Molecular consequence: missense variant.
Genome position (GRCh38, 1-based): chr7:128,403,729, T>C on the plus strand (A>G on the coding strand, the complement: IMPDH1 is on the minus strand). VCF-style: chr7-128403729-T-C. GRCh37 (hg19) VCF-style: chr7-128043783-T-C.
Other names: c.349A>G, p.Ile117Val (NM_001102605.2); c.124A>G, p.Ile42Val (NM_001142573.2, NM_001142574.2, NM_001142575.2); c.280A>G, p.Ile94Val (NM_001142576.2); c.172A>G, p.Ile58Val (NM_001304521.2); c.271A>G, p.Ile91Val (NM_183243.3); c.379A>G (NM_000883.3); short protein forms I42V, I58V, I117V, I127V, I91V, I94V.
Identifiers: ClinVar variation 2870149 (VCV002870149.5), dbSNP rs62481102, ClinGen allele CA4471190.

ClinVar aggregate classification (germline): Uncertain significance. Review status: criteria provided, multiple submitters, no conflicts (2 of 4 stars). 3 submissions from 3 submitters: Uncertain significance (3). Last evaluated 2026-06-18.

Conditions:
IMPDH1-related disorder. Also called: IMPDH1-related condition; IMPDH1-related disorders.

Allele frequency attached by ClinVar (database versions not stated): ExAC 0.00001; gnomAD 0.00001; TOPMed 0.00002; gnomAD exomes 0.00003; ESP Exome Variant Server 0.00008.

Submissions (3):

PreventionGenetics, part of Exact Sciences
Classification: Uncertain significance for IMPDH1-related condition. Last evaluated: 2026-06-18. Review status: criteria provided, single submitter. Criteria: ACMG Guidelines, 2015. Collection method: clinical testing. Allele origin: germline.
Comment: The IMPDH1 c.379A>G variant is predicted to result in the amino acid substitution p.Ile127Val. To our knowledge, this variant has not been reported in the literature. This variant is present in 0.0018% of alleles in individuals of European (Non-Finnish) descent in gnomAD. At this time, the clinical significance of this variant is uncertain due to the absence of conclusive functional and genetic evidence.

Blueprint Genetics
Classification: Uncertain significance. Last evaluated: 2024-11-22. Review status: criteria provided, single submitter. Criteria: ACMG Guidelines, 2015. Collection method: clinical testing. Allele origin: germline.

Labcorp Genetics (formerly Invitae), Labcorp
Classification: Uncertain significance. Last evaluated: 2024-05-16. Review status: criteria provided, single submitter. Criteria: Invitae Variant Classification Sherloc (09022015). Collection method: clinical testing. Allele origin: germline.
Comment: This sequence change replaces isoleucine, which is neutral and non-polar, with valine, which is neutral and non-polar, at codon 127 of the IMPDH1 protein (p.Ile127Val). This variant is present in population databases (rs62481102, gnomAD 0.003%). This variant has not been reported in the literature in individuals affected with IMPDH1-related conditions. An algorithm developed to predict the effect of missense changes on protein structure and function (PolyPhen-2) suggests that this variant is likely to be tolerated. In summary, the available evidence is currently insufficient to determine the role of this variant in disease. Therefore, it has been classified as a Variant of Uncertain Significance.